The following is an entry in ClinVar:

NM_001099922.3(ALG13):c.3297T>A (p.His1099Gln)

Gene: ALG13 (ALG13 UDP-N-acetylglucosaminyltransferase subunit; plus strand). Cytogenetic location: Xq23.
Variant type: single nucleotide variant.
Coding change: c.3297T>A on transcript NM_001099922.3 (MANE Select); coding-DNA position 3297, T replaced by A.
Protein change: p.His1099Gln; replaces histidine 1099 with glutamine.
Molecular consequence: missense variant. On other transcripts: non-coding transcript variant (1).
Genome position (GRCh38, 1-based): chrX:111,759,882, T>A. VCF-style: chrX-111759882-T-A. GRCh37 (hg19) VCF-style: chrX-111003110-T-A.
Other names: c.2748T>A, p.His916Gln (NM_001257230.2, NM_001257234.2, NM_001257237.2); c.3063T>A, p.His1021Gln (NM_001257231.2); c.3060T>A, p.His1020Gln (NM_001324292.2); c.2574T>A, p.His858Gln (NM_001324293.1); short protein forms H1099Q, H1021Q, H1020Q, H858Q, H916Q.
Identifiers: ClinVar variation 391921 (VCV000391921.4), dbSNP rs1038668048, ClinGen allele CA16609116.
Genomic context (GRCh38, chrX:111,759,882, plus strand): 5'-GCCAGGTTTTGACTCCTGCCTTCCGGTTGTGCCAGATTATTCCTGTGTTCCCCCCTGGCA[T>A]CCAGTTGGTACAGCATATGGTGGTTCTTCTCAAATTCATGGTGCTATAAATCCTGGGCCA-3'
Protein context (NP_001093392.1, residues 1089-1109): VPDYSCVPPW[His1099Gln]PVGTAYGGSS

ClinVar aggregate classification (germline): Uncertain significance. Review status: criteria provided, multiple submitters, no conflicts (2 of 4 stars). 2 submissions from 2 submitters: Uncertain significance (2). Last evaluated 2024-05-21.

Conditions:
Developmental and epileptic encephalopathy, 36 (DEE36). Also called: Congenital disorder of glycosylation, type Is; Epileptic encephalopathy, early infantile, 36; ALG13-CDG. Identifiers: Orphanet 324422, MedGen C4317295, MONDO:0010472, OMIM 300884.

Allele frequency attached by ClinVar (database versions not stated): gnomAD exomes below 0.00001 and 0.00001; TOPMed 0.00004; gnomAD 0.00005 and 0.00006.
gnomAD v4.1: 10 of 1,208,946 alleles (0.00083%); highest among the groups gnomAD compares: African/African-American, 0.016%; no homozygotes.

Submissions (2):

Labcorp Genetics (formerly Invitae), Labcorp
Classification: Uncertain significance for Developmental and epileptic encephalopathy, 36. Last evaluated: 2024-05-21. Review status: criteria provided, single submitter. Criteria: Invitae Variant Classification Sherloc (09022015). Collection method: clinical testing. Allele origin: germline.
Comment: This sequence change replaces histidine, which is basic and polar, with glutamine, which is neutral and polar, at codon 1099 of the ALG13 protein (p.His1099Gln). This variant is present in population databases (no rsID available, gnomAD 0.02%), including at least one homozygous and/or hemizygous individual. This variant has not been reported in the literature in individuals affected with ALG13-related conditions. ClinVar contains an entry for this variant (Variation ID: 391921). An algorithm developed to predict the effect of missense changes on protein structure and function (PolyPhen-2) suggests that this variant is likely to be disruptive. In summary, the available evidence is currently insufficient to determine the role of this variant in disease. Therefore, it has been classified as a Variant of Uncertain Significance.

GeneDx
Classification: Uncertain significance. Last evaluated: 2016-12-19. Review status: criteria provided, single submitter. Criteria: GeneDx Variant Classification (06012015). Collection method: clinical testing. Allele origin: germline. Affected: yes.
Comment: A variant of uncertain significance has been identified in the ALG13 gene. The H1099Q variant has not been published as a pathogenic variant, nor has it been reported as a benign variant to our knowledge. The H1099Q variant is a semi-conservative amino acid substitution, which may impact secondary protein structure as these residues differ in some properties. This substitution occurs at a position that is conserved in mammals. In silico analysis is inconsistent in its predictions as to whether or not the variant is damaging to the protein structure/function. Therefore, based on the currently available information, it is unclear whether this variant is a pathogenic variant or a rare benign variant.